The following is an entry in ClinVar:

ClinVar aggregate classification (germline): Likely pathogenic (1 of 4 stars; one submission).

Conditions:
Niemann-Pick disease, type C1. Also called: NIEMANN-PICK DISEASE, VARIANT TYPE C1; NEUROVISCERAL STORAGE DISEASE WITH VERTICAL SUPRANUCLEAR OPHTHALMOPLEGIA; NIEMANN-PICK DISEASE WITH CHOLESTEROL ESTERIFICATION BLOCK; NIEMANN-PICK DISEASE WITHOUT SPHINGOMYELINASE DEFICIENCY; NIEMANN-PICK DISEASE, CHRONIC NEURONOPATHIC FORM. Identifiers: Orphanet 646, MedGen C3179455, MONDO:0009757, OMIM 257220.

Submission:

Foundation for Research in Genetics and Endocrinology, FRIGE's Institute of Human Genetics
Classification: Likely pathogenic for Niemann-Pick disease, type C1. Last evaluated: 2020-10-13. Review status: criteria provided, single submitter. Criteria: ACMG Guidelines, 2015. Collection method: clinical testing. Allele origin: germline. Inheritance: Autosomal recessive inheritance. Affected: yes. Observed: 1 variant allele, 1 compound heterozygote.
Comment: A heterozygous splice site variation in intron 7 of the NPC1 gene that affects the invariant acceptor splice site downstream of exon 7 was detected. The observed variant c.955+3A>G has not been reported in the 1000 genomes and gnomAD databases.

NM_000271.5(NPC1):c.955+3A>G

Gene: NPC1 (NPC intracellular cholesterol transporter 1; minus strand). Cytogenetic location: 18q11.2.
Variant type: single nucleotide variant.
Coding change: c.955+3A>G on transcript NM_000271.5 (MANE Select); 3 bases into the intron after coding-DNA position 955, A replaced by G.
Molecular consequence: intron variant.
Genome position (GRCh38, 1-based): chr18:23,557,114, T>C on the plus strand (A>G on the coding strand, the complement: NPC1 is on the minus strand). VCF-style: chr18-23557114-T-C. GRCh37 (hg19) VCF-style: chr18-21137078-T-C.
Identifiers: ClinVar variation 4884621 (VCV004884621.1).